The following is an entry in ClinVar:

ClinVar aggregate classification (germline): Uncertain significance (1 of 4 stars; one submission).

Conditions:
Long QT syndrome (LQTS). Identifiers: MedGen C0023976, MeSH D008133, MONDO:0002442. Disease mechanism: loss of function. Inheritance: Various modes of inheritance.

Submission:

Labcorp Genetics (formerly Invitae), Labcorp
Classification: Uncertain significance for Long QT syndrome. Last evaluated: 2017-08-17. Review status: criteria provided, single submitter. Criteria: Invitae Variant Classification Sherloc (09022015). Collection method: clinical testing. Allele origin: germline.
Comment: In summary, the available evidence is currently insufficient to determine the role of this variant in disease. Therefore, it has been classified as a Variant of Uncertain Significance. Algorithms developed to predict the effect of missense changes on protein structure and function do not agree on the potential impact of this missense change (SIFT: "Tolerated"; PolyPhen-2: "Possibly Damaging"; Align-GVGD: "Class C0"). This variant has not been reported in the literature in individuals with ANK2-related disease. This variant is not present in population databases (ExAC no frequency). This sequence change replaces glutamic acid with lysine at codon 1876 of the ANK2 protein (p.Glu1876Lys). The glutamic acid residue is weakly conserved and there is a small physicochemical difference between glutamic acid and lysine.

NM_001148.6(ANK2):c.5626G>A (p.Glu1876Lys)

Genes: ANK2 (ankyrin 2; plus strand), LOC126807136 (MED14-independent group 3 enhancer GRCh37_chr4:114274931-114276130; plus strand). Cytogenetic location: 4q26.
Variant type: single nucleotide variant.
Coding change: c.5626G>A on transcript NM_001148.6 (MANE Select); coding-DNA position 5626, G replaced by A.
Protein change: p.Glu1876Lys; replaces glutamic acid 1876 with lysine.
Molecular consequence: missense variant. On other transcripts: intron variant (68).
Genome position (GRCh38, 1-based): chr4:113,354,244, G>A. VCF-style: chr4-113354244-G-A. GRCh37 (hg19) VCF-style: chr4-114275400-G-A.
Other names: c.5392G>A, p.Glu1798Lys (NM_001386142.1); c.2026G>A, p.Glu676Lys (NM_001386166.1); c.5767G>A, p.Glu1923Lys (NM_001386174.1); c.5743G>A, p.Glu1915Lys (NM_001386175.1); c.4411+3995G>A (NM_001386186.2, NM_001386148.2); c.4213+3995G>A (NM_001354269.3); c.4291+3995G>A (NM_001386187.2); c.4252+3995G>A (NM_001386147.1); and 35 more; short protein forms E1876K, E1798K, E1915K, E1923K, E676K.
Identifiers: ClinVar variation 526972 (VCV000526972.6), dbSNP rs1554553071, ClinGen allele CA357920572.